The following is an entry in ClinVar:

NM_005359.6(SMAD4):c.889C>A (p.His297Asn)

Gene: SMAD4 (SMAD family member 4; plus strand). Cytogenetic location: 18q21.2.
Variant type: single nucleotide variant.
Coding change: c.889C>A on transcript NM_005359.6 (MANE Select); coding-DNA position 889, C replaced by A.
Protein change: p.His297Asn; replaces histidine 297 with asparagine.
Molecular consequence: missense variant. On other transcripts: non-coding transcript variant (2).
Genome position (GRCh38, 1-based): chr18:51,058,441, C>A. VCF-style: chr18-51058441-C-A. GRCh37 (hg19) VCF-style: chr18-48584811-C-A.
Other names: c.889C>A, p.His297Asn (NM_001407041.1, NM_001407042.1, NM_001407043.1); short protein forms H297N.
Identifiers: ClinVar variation 2694475 (VCV002694475.3), dbSNP rs2144429344, ClinGen allele CA402463587.
Genomic context (GRCh38, chr18:51,058,441, plus strand): 5'-ACACCTAATTTGCCTCACCACCAAAACGGCCATCTTCAGCACCACCCGCCTATGCCGCCC[C>A]ATCCCGGACATTACTGTAAGCTCTTGTTTTTGTTGTAAGGGCTATTTTTTTTTTTTTTTT-3'
Protein context (NP_005350.1, residues 287-307): HLQHHPPMPP[His297Asn]PGHYWPVHNE

ClinVar aggregate classification (germline): Uncertain significance (1 of 4 stars; one submission).

Conditions:
Juvenile polyposis syndrome (JPS). Identifiers: Orphanet 2929, MedGen C0345893, MONDO:0017380, OMIM 174900.

Submission:

Labcorp Genetics (formerly Invitae), Labcorp
Classification: Uncertain significance for Juvenile polyposis syndrome. Last evaluated: 2023-11-09. Review status: criteria provided, single submitter. Criteria: Invitae Variant Classification Sherloc (09022015). Collection method: clinical testing. Allele origin: germline.
Comment: This sequence change replaces histidine, which is basic and polar, with asparagine, which is neutral and polar, at codon 297 of the SMAD4 protein (p.His297Asn). This variant is not present in population databases (gnomAD no frequency). This variant has not been reported in the literature in individuals affected with SMAD4-related conditions. Advanced modeling of protein sequence and biophysical properties (such as structural, functional, and spatial information, amino acid conservation, physicochemical variation, residue mobility, and thermodynamic stability) has been performed at Invitae for this missense variant, however the output from this modeling did not meet the statistical confidence thresholds required to predict the impact of this variant on SMAD4 protein function. In summary, the available evidence is currently insufficient to determine the role of this variant in disease. Therefore, it has been classified as a Variant of Uncertain Significance.